The following is an entry in ClinVar:

ClinVar aggregate classification (germline): Uncertain significance (1 of 4 stars; one submission).

Allele frequency attached by ClinVar (database versions not stated): gnomAD exomes below 0.00001; TOPMed below 0.00001; gnomAD 0.00001.
gnomAD v4.1: 7 of 1,556,916 alleles (0.00045%); highest among the groups gnomAD compares: Admixed American, 0.0019%; no homozygotes.

Submission:

Labcorp Genetics (formerly Invitae), Labcorp
Classification: Uncertain significance. Last evaluated: 2022-02-02. Review status: criteria provided, single submitter. Criteria: Invitae Variant Classification Sherloc (09022015). Collection method: clinical testing. Allele origin: germline.
Comment: The frequency data for this variant in the population databases is considered unreliable, as metrics indicate poor data quality at this position in the gnomAD database. In summary, the available evidence is currently insufficient to determine the role of this variant in disease. Therefore, it has been classified as a Variant of Uncertain Significance. Algorithms developed to predict the effect of missense changes on protein structure and function are either unavailable or do not agree on the potential impact of this missense change (SIFT: "Not Available"; PolyPhen-2: "Possibly Damaging"; Align-GVGD: "Not Available"). This variant has not been reported in the literature in individuals affected with USH1G-related conditions. This sequence change replaces threonine, which is neutral and polar, with asparagine, which is neutral and polar, at codon 34 of the USH1G protein (p.Thr34Asn).

NM_173477.5(USH1G):c.101C>A (p.Thr34Asn)

Gene: USH1G (USH1 protein network component sans; minus strand). Cytogenetic location: 17q25.1.
Variant type: single nucleotide variant.
Coding change: c.101C>A on transcript NM_173477.5 (MANE Select); coding-DNA position 101, C replaced by A.
Protein change: p.Thr34Asn; replaces threonine 34 with asparagine.
Molecular consequence: missense variant. On other transcripts: 5 prime UTR variant (1).
Genome position (GRCh38, 1-based): chr17:74,922,973, G>T on the plus strand (C>A on the coding strand, the complement: USH1G is on the minus strand). VCF-style: chr17-74922973-G-T. GRCh37 (hg19) VCF-style: chr17-72919068-G-T.
Other names: c.-156C>A (NM_001282489.3); short protein forms T34N.
Identifiers: ClinVar variation 1907502 (VCV001907502.5), dbSNP rs887769493, ClinGen allele CA293990786.